The following is an entry in ClinVar:

ClinVar aggregate classification (germline): Likely benign (0 of 4 stars; one submission).

Conditions:
KMT2D-related disorder. Also called: KMT2D-Related Disorders.

Allele frequency attached by ClinVar (database versions not stated): ExAC 0.00004.
gnomAD v4.1: 3 of 1,597,528 alleles (0.00019%); highest among the groups gnomAD compares: South Asian, 0.0034%; no homozygotes.

Submission:

PreventionGenetics, part of Exact Sciences
Classification: Likely benign for KMT2D-related condition. Last evaluated: 2019-05-24. Review status: no assertion criteria provided. Collection method: clinical testing. Allele origin: germline.
Comment: This variant is classified as likely benign based on ACMG/AMP sequence variant interpretation guidelines (Richards et al. 2015 PMID: 25741868, with internal and published modifications).

NM_003482.4(KMT2D):c.471A>C (p.Leu157=)

Gene: KMT2D (lysine methyltransferase 2D; minus strand). Cytogenetic location: 12q13.12.
Variant type: single nucleotide variant.
Coding change: c.471A>C on transcript NM_003482.4 (MANE Select); coding-DNA position 471, A replaced by C.
Protein change: p.Leu157=; no amino-acid change (leucine 157 retained).
Molecular consequence: synonymous variant.
Genome position (GRCh38, 1-based): chr12:49,054,346, T>G on the plus strand (A>C on the coding strand, the complement: KMT2D is on the minus strand). VCF-style: chr12-49054346-T-G. GRCh37 (hg19) VCF-style: chr12-49448129-T-G.
Identifiers: ClinVar variation 3039720 (VCV003039720.2), dbSNP rs767818678, ClinGen allele CA6548723.
Genomic context (GRCh38, chr12:49,054,346, plus strand): 5'-AATCCCCTGGCCCAGCCCCACCTGTGAGATCCCTGAGAAGATGGCCTTGTCCACACCACA[T>G]AGTTCTGGGCCCTCCTGCCCCCATACGCCTGCCGACCATGCAGCACACCAATGGTGAGCC-3'
Protein context (NP_003473.3, residues 147-167): AGVWGQEGPE[Leu157=]CGVDKAIFSG